The following is an entry in ClinVar:

NM_001351132.2(PEX5):c.216A>G (p.Ala72=)

Gene: PEX5 (peroxisomal biogenesis factor 5; plus strand). Cytogenetic location: 12p13.31.
Variant type: single nucleotide variant.
Coding change: c.216A>G on transcript NM_001351132.2 (MANE Select); coding-DNA position 216, A replaced by G.
Protein change: p.Ala72=; no amino-acid change (alanine 72 retained).
Molecular consequence: synonymous variant.
Genome position (GRCh38, 1-based): chr12:7,191,258, A>G. VCF-style: chr12-7191258-A-G. GRCh37 (hg19) VCF-style: chr12-7343854-A-G.
Other names: c.216A>G (NM_001131025.1); c.216A>G, p.Ala72= (NM_000319.5, NM_001131024.2, NM_001131025.2 and 19 more transcripts); c.261A>G, p.Ala87= (NM_001131023.2, NM_001351135.3, NM_001351138.2).
Identifiers: ClinVar variation 1657376 (VCV001657376.11), dbSNP rs1941051265, ClinGen allele CA478185488.

ClinVar aggregate classification (germline): Likely benign. Review status: criteria provided, multiple submitters, no conflicts (2 of 4 stars). 3 submissions from 3 submitters: Likely benign (2). 1 of the submissions does not count toward it. Last evaluated 2025-07-31.

Conditions:
Peroxisome biogenesis disorder 2B (PBD2B). Identifiers: Orphanet 44, MedGen C3550234, MONDO:0008736, OMIM 202370.
PEX5-related disorder. Also called: PEX5-related condition; PEX5-Related Disorders.

Allele frequency attached by ClinVar (database versions not stated): gnomAD 0.00001; gnomAD exomes 0.00002; TOPMed 0.00002.

Submissions (3):

Labcorp Genetics (formerly Invitae), Labcorp
Classification: Likely benign for Peroxisome biogenesis disorder 2B. Last evaluated: 2025-07-31. Review status: criteria provided, single submitter. Criteria: Invitae Variant Classification Sherloc (09022015). Collection method: clinical testing. Allele origin: germline.

Blueprint Genetics
Classification: Likely benign. Last evaluated: 2020-03-24. Review status: criteria provided, single submitter. Criteria: ACMG Guidelines, 2015. Collection method: clinical testing. Allele origin: germline.

PreventionGenetics, part of Exact Sciences
Classification: Likely benign for PEX5-related condition. Last evaluated: 2019-06-28. Review status: no assertion criteria provided. Collection method: clinical testing. Allele origin: germline. Not counted in ClinVar's aggregate classification.
Comment: This variant is classified as likely benign based on ACMG/AMP sequence variant interpretation guidelines (Richards et al. 2015 PMID: 25741868, with internal and published modifications).